The following is an entry in ClinVar:

NM_001122681.2(SH3BP2):c.*2579C>T

Gene: SH3BP2 (SH3 domain binding protein 2; plus strand). Cytogenetic location: 4p16.3.
Variant type: single nucleotide variant.
Coding change: c.*2579C>T on transcript NM_001122681.2 (MANE Select); 2579 bases downstream of the stop codon, C replaced by T.
Molecular consequence: 3 prime UTR variant.
Genome position (GRCh38, 1-based): chr4:2,836,413, C>T. VCF-style: chr4-2836413-C-T. GRCh37 (hg19) VCF-style: chr4-2838140-C-T.
Other names: c.*2579C>T (LRG_1334t2, LRG_1334t1, NM_001145855.2 and 2 more transcripts).
Identifiers: ClinVar variation 348639 (VCV000348639.5), dbSNP rs77430059, ClinGen allele CA10617695.

ClinVar aggregate classification (germline): Benign (1 of 4 stars; one submission).

Conditions:
Fibrous dysplasia of jaw (CRBM). Also called: Cherubism. Identifiers: Orphanet 184, MedGen C0008029, MONDO:0007315, OMIM 118400.

Allele frequency attached by ClinVar (database versions not stated): gnomAD 0.03072 and 0.03292; 1000 Genomes Project 0.03375; TOPMed 0.03484; 1000 Genomes Project 30x 0.03592.

Submission:

Illumina Laboratory Services, Illumina
Classification: Benign for Fibrous dysplasia of jaw. Last evaluated: 2018-01-12. Review status: criteria provided, single submitter. Criteria: ICSL Variant Classification Criteria 13 December 2019. Collection method: clinical testing. Allele origin: germline.
Comment: This variant was observed in the ICSL laboratory as part of a predisposition screen in an ostensibly healthy population. It had not been previously curated by ICSL or reported in the Human Gene Mutation Database (HGMD: prior to June 1st, 2018), and was therefore a candidate for classification through an automated scoring system. Utilizing variant allele frequency, disease prevalence and penetrance estimates, and inheritance mode, an automated score was calculated to assess if this variant is too frequent to cause the disease. Based on the score and internal cut-off values, a variant classified as benign is not then subjected to further curation. The score for this variant resulted in a classification of benign for this disease.